The following is an entry in ClinVar:

NM_000179.3(MSH6):c.939A>T (p.Lys313Asn)

Gene: MSH6 (mutS homolog 6; plus strand). Cytogenetic location: 2p16.3.
Variant type: single nucleotide variant.
Coding change: c.939A>T on transcript NM_000179.3 (MANE Select); coding-DNA position 939, A replaced by T.
Protein change: p.Lys313Asn; replaces lysine 313 with asparagine.
Molecular consequence: missense variant. On other transcripts: non-coding transcript variant (4), intron variant (1).
Genome position (GRCh38, 1-based): chr2:47,798,922, A>T. VCF-style: chr2-47798922-A-T. GRCh37 (hg19) VCF-style: chr2-48026061-A-T.
Other names: c.33A>T, p.Lys11Asn (NM_001281494.2, NM_001406814.1, NM_001406815.1 and 6 more transcripts); c.1035A>T, p.Lys345Asn (NM_001406795.1, NM_001406802.1); c.939A>T, p.Lys313Asn (NM_001406796.1, NM_001406798.1, NM_001406800.1 and 4 more transcripts); c.642A>T, p.Lys214Asn (NM_001406797.1, NM_001406801.1, NM_001406818.1 and 10 more transcripts); c.414A>T, p.Lys138Asn (NM_001406799.1, NM_001406806.1, NM_001406807.1); c.549A>T, p.Lys183Asn (NM_001281492.2); c.861A>T, p.Lys287Asn (NM_001406804.1); c.945A>T, p.Lys315Asn (NM_001406813.1); and 2 more; short protein forms K257N, K287N, K345N, K315N, K11N, K138N, K183N, K214N.
Identifiers: ClinVar variation 5024866 (VCV005024866.1).
Genomic context (GRCh38, chr2:47,798,922, plus strand): 5'-TGTCAAAGTTGCTCGAAAGCGGAAGAGAATGGTGACTGGAAATGGCTCTCTTAAAAGGAA[A>T]AGCTCTAGGAAGGAAACGCCCTCAGCCACCAAACAAGCAACTAGCATTTCATCAGAAACC-3'
Protein context (NP_000170.1, residues 303-323): MVTGNGSLKR[Lys313Asn]SSRKETPSAT

ClinVar aggregate classification (germline): Uncertain significance (1 of 4 stars; one submission).

Conditions:
Hereditary cancer-predisposing syndrome. Also called: Neoplastic Syndromes, Hereditary; Tumor predisposition; Hereditary neoplastic syndrome; Hereditary Cancer Syndrome. Identifiers: Orphanet 140162, MedGen C0027672, MeSH D009386, MONDO:0015356.

Submission:

Ambry Genetics
Classification: Uncertain significance for Hereditary cancer-predisposing syndrome. Last evaluated: 2026-06-17. Review status: criteria provided, single submitter. Criteria: Ambry Variant Classification Scheme 2023. Collection method: clinical testing. Allele origin: germline.
Comment: The p.K313N variant (also known as c.939A>T), located in coding exon 4 of the MSH6 gene, results from an A to T substitution at nucleotide position 939. The lysine at codon 313 is replaced by asparagine, an amino acid with similar properties. This amino acid position is conserved. In addition, this alteration is predicted to be tolerated by in silico analysis. Based on the available evidence, the clinical significance of this variant remains unclear.